The following is an entry in ClinVar:

NM_001232.4(CASQ2):c.988C>T (p.Gln330Ter)

Gene: CASQ2 (calsequestrin 2; minus strand). Cytogenetic location: 1p13.1.
Variant type: single nucleotide variant.
Coding change: c.988C>T on transcript NM_001232.4 (MANE Select); coding-DNA position 988, C replaced by T.
Protein change: p.Gln330Ter; replaces glutamine 330 with a stop codon.
Molecular consequence: nonsense.
Genome position (GRCh38, 1-based): chr1:115,702,947, G>A on the plus strand (C>T on the coding strand, the complement: CASQ2 is on the minus strand). VCF-style: chr1-115702947-G-A. GRCh37 (hg19) VCF-style: chr1-116245568-G-A.
Other names: short protein forms Q330*.
Identifiers: ClinVar variation 1425730 (VCV001425730.7), dbSNP rs767023791, ClinGen allele CA341766623.

ClinVar aggregate classification (germline): Pathogenic (1 of 4 stars; one submission).

Conditions:
Catecholaminergic polymorphic ventricular tachycardia 1. Also called: VENTRICULAR TACHYCARDIA, CATECHOLAMINERGIC POLYMORPHIC, 1, WITH OR WITHOUT ATRIAL DYSFUNCTION AND/OR DILATED CARDIOMYOPATHY; RYR2-Related Catecholaminergic Polymorphic Ventricular Tachycardia; VENTRICULAR TACHYCARDIA, STRESS-INDUCED POLYMORPHIC 1. Identifiers: Orphanet 3286, MedGen C1631597, MONDO:0011484, OMIM 604772.

gnomAD v4.1: 5 of 1,613,688 alleles (0.00031%); highest among the groups gnomAD compares: Non-Finnish European, 0.00042%; no homozygotes.

Submission:

Labcorp Genetics (formerly Invitae), Labcorp
Classification: Pathogenic for Catecholaminergic polymorphic ventricular tachycardia 1. Last evaluated: 2024-07-15. Review status: criteria provided, single submitter. Criteria: Invitae Variant Classification Sherloc (09022015). Collection method: clinical testing. Allele origin: germline.
Comment: This sequence change creates a premature translational stop signal (p.Gln330*) in the CASQ2 gene. While this is not anticipated to result in nonsense mediated decay, it is expected to disrupt the last 70 amino acid(s) of the CASQ2 protein. The frequency data for this variant in the population databases is considered unreliable, as metrics indicate poor data quality at this position in the gnomAD database. This premature translational stop signal has been observed in individual(s) with clinical features of catecholaminergic polymorphic ventricular tachycardia (PMID: 30847666). ClinVar contains an entry for this variant (Variation ID: 1425730). This variant disrupts a region of the CASQ2 protein in which other variant(s) (p.Asp340*) have been determined to be pathogenic (Invitae). This suggests that this is a clinically significant region of the protein, and that variants that disrupt it are likely to be disease-causing. For these reasons, this variant has been classified as Pathogenic.

Literature cited by the submitters: PubMed 30847666.